The following is an entry in ClinVar:

NM_002223.4(ITPR2):c.6309T>C (p.Asp2103=)

Gene: ITPR2 (inositol 1,4,5-trisphosphate receptor type 2; minus strand). Cytogenetic location: 12p11.23.
Variant type: single nucleotide variant.
Coding change: c.6309T>C on transcript NM_002223.4 (MANE Select); coding-DNA position 6309, T replaced by C.
Protein change: p.Asp2103=; no amino-acid change (aspartic acid 2103 retained).
Molecular consequence: synonymous variant. On other transcripts: intron variant (1).
Genome position (GRCh38, 1-based): chr12:26,475,329, A>G on the plus strand (T>C on the coding strand, the complement: ITPR2 is on the minus strand). VCF-style: chr12-26475329-A-G. GRCh37 (hg19) VCF-style: chr12-26628262-A-G.
Other names: c.6306T>C, p.Asp2102= (NM_001414174.1); c.6123+5802T>C (NM_001414175.1).
Identifiers: ClinVar variation 3038559 (VCV003038559.2), dbSNP rs376442300, ClinGen allele CA6488503.

ClinVar aggregate classification (germline): Likely benign (0 of 4 stars; one submission).

Conditions:
ITPR2-related disorder. Also called: ITPR2-related condition.

Allele frequency attached by ClinVar (database versions not stated): gnomAD exomes below 0.00001; gnomAD 0.00002; ExAC 0.00003; TOPMed 0.00003; 1000 Genomes Project 30x 0.00016; 1000 Genomes Project 0.00020.

Submission:

PreventionGenetics, part of Exact Sciences
Classification: Likely benign for ITPR2-related condition. Last evaluated: 2019-05-22. Review status: no assertion criteria provided. Collection method: clinical testing. Allele origin: germline.
Comment: This variant is classified as likely benign based on ACMG/AMP sequence variant interpretation guidelines (Richards et al. 2015 PMID: 25741868, with internal and published modifications).